The following is an entry in ClinVar:

NM_003835.4(RGS9):c.748A>G (p.Ile250Val)

Gene: RGS9 (regulator of G protein signaling 9; plus strand). Cytogenetic location: 17q24.1.
Variant type: single nucleotide variant.
Coding change: c.748A>G on transcript NM_003835.4 (MANE Select); coding-DNA position 748, A replaced by G.
Protein change: p.Ile250Val; replaces isoleucine 250 with valine.
Molecular consequence: missense variant.
Genome position (GRCh38, 1-based): chr17:65,193,544, A>G. VCF-style: chr17-65193544-A-G. GRCh37 (hg19) VCF-style: chr17-63189662-A-G.
Other names: c.739A>G, p.Ile247Val (NM_001081955.3, NM_001165933.2); short protein forms I247V, I250V.
Identifiers: ClinVar variation 1045724 (VCV001045724.8), dbSNP rs1912460248, ClinGen allele CA400665405.

ClinVar aggregate classification (germline): Uncertain significance (1 of 4 stars; one submission).

Allele frequency attached by ClinVar (database versions not stated): gnomAD exomes below 0.00001.
gnomAD v4.1: 6 of 1,601,484 alleles (0.00037%); highest among the groups gnomAD compares: Non-Finnish European, 0.00051%; no homozygotes.

Submission:

Labcorp Genetics (formerly Invitae), Labcorp
Classification: Uncertain significance. Last evaluated: 2023-08-17. Review status: criteria provided, single submitter. Criteria: Invitae Variant Classification Sherloc (09022015). Collection method: clinical testing. Allele origin: germline.
Comment: ClinVar contains an entry for this variant (Variation ID: 1045724). In summary, the available evidence is currently insufficient to determine the role of this variant in disease. Therefore, it has been classified as a Variant of Uncertain Significance. An algorithm developed to predict the effect of missense changes on protein structure and function (PolyPhen-2) suggests that this variant is likely to be tolerated. This variant has not been reported in the literature in individuals affected with RGS9-related conditions. This variant is not present in population databases (gnomAD no frequency). This sequence change replaces isoleucine, which is neutral and non-polar, with valine, which is neutral and non-polar, at codon 250 of the RGS9 protein (p.Ile250Val).